The following is an entry in ClinVar:

NM_001145809.2(MYH14):c.5306A>T (p.Asp1769Val)

Gene: MYH14 (myosin heavy chain 14; plus strand). Cytogenetic location: 19q13.33.
Variant type: single nucleotide variant.
Coding change: c.5306A>T on transcript NM_001145809.2 (MANE Select); coding-DNA position 5306, A replaced by T.
Protein change: p.Asp1769Val; replaces aspartic acid 1769 with valine.
Molecular consequence: missense variant.
Genome position (GRCh38, 1-based): chr19:50,293,282, A>T. VCF-style: chr19-50293282-A-T. GRCh37 (hg19) VCF-style: chr19-50796539-A-T.
Other names: c.5207A>T, p.Asp1736Val (NM_001077186.2); c.5183A>T, p.Asp1728Val (NM_024729.4); short protein forms D1728V, D1736V, D1769V.
Identifiers: ClinVar variation 1707053 (VCV001707053.3), dbSNP rs373440705, ClinGen allele CA309587825.
Genomic context (GRCh38, chr19:50,293,282, plus strand): 5'-CATCATCACAGGAACTGGCCGCCTCGGACCGTGCTCGGCGGCAGGCCCAGCAGGACCGGG[A>T]TGAGATGGCAGATGAGGTGGCCAATGGTAACCTTAGCAAGTAAGTGCCCCAAGGGTCTGA-3'
Protein context (NP_001139281.1, residues 1759-1779): RARRQAQQDR[Asp1769Val]EMADEVANGN

ClinVar aggregate classification (germline): Uncertain significance. Review status: criteria provided, multiple submitters, no conflicts (2 of 4 stars). 2 submissions from 2 submitters: Uncertain significance (2). Last evaluated 2022-03-23.

Allele frequency attached by ClinVar (database versions not stated): gnomAD exomes below 0.00001; TOPMed below 0.00001; ESP Exome Variant Server 0.00008.
gnomAD v4.1: 7 of 1,609,614 alleles (0.00043%); highest among the groups gnomAD compares: Non-Finnish European, 0.00051%; no homozygotes.

Submissions (2):

GeneDx
Classification: Uncertain significance. Last evaluated: 2022-03-23. Review status: criteria provided, single submitter. Criteria: GeneDx Variant Classification Process June 2021. Collection method: clinical testing. Allele origin: germline. Affected: yes.
Comment: Not observed at significant frequency in large population cohorts (gnomAD); In silico analysis supports that this missense variant has a deleterious effect on protein structure/function; Has not been previously published as pathogenic or benign to our knowledge

Blueprint Genetics
Classification: Uncertain significance. Last evaluated: 2020-09-04. Review status: criteria provided, single submitter. Criteria: ACMG Guidelines, 2015. Collection method: clinical testing. Allele origin: germline.